The following is an entry in ClinVar:

ClinVar aggregate classification (germline): Uncertain significance. Review status: criteria provided, multiple submitters, no conflicts (2 of 4 stars). 3 submissions from 3 submitters: Uncertain significance (3). Last evaluated 2023-12-22.

Conditions:
Inborn genetic diseases. Identifiers: MedGen C0950123, MeSH D030342.
Microcephaly 1, primary, autosomal recessive (MCPH1). Also called: PREMATURE CHROMOSOME CONDENSATION SYNDROME; PCC SYNDROME; PREMATURE CHROMOSOME CONDENSATION WITH MICROCEPHALY AND MENTAL RETARDATION. Identifiers: Orphanet 2512, MedGen C1855081, MONDO:0009617, OMIM 251200.

Allele frequency attached by ClinVar (database versions not stated): gnomAD 0.00005; TOPMed 0.00006; ESP Exome Variant Server 0.00008.
gnomAD v4.1: 45 of 1,614,086 alleles (0.0028%); highest among the groups gnomAD compares: Non-Finnish European, 0.0036%; no homozygotes.

Submissions (3):

Labcorp Genetics (formerly Invitae), Labcorp
Classification: Uncertain significance. Last evaluated: 2023-12-22. Review status: criteria provided, single submitter. Criteria: Invitae Variant Classification Sherloc (09022015). Collection method: clinical testing. Allele origin: germline.
Comment: This sequence change replaces proline, which is neutral and non-polar, with serine, which is neutral and polar, at codon 431 of the MCPH1 protein (p.Pro431Ser). This variant is present in population databases (rs376658910, gnomAD 0.006%). This variant has not been reported in the literature in individuals affected with MCPH1-related conditions. ClinVar contains an entry for this variant (Variation ID: 363524). Advanced modeling of protein sequence and biophysical properties (such as structural, functional, and spatial information, amino acid conservation, physicochemical variation, residue mobility, and thermodynamic stability) performed at Invitae indicates that this missense variant is not expected to disrupt MCPH1 protein function with a negative predictive value of 80%. In summary, the available evidence is currently insufficient to determine the role of this variant in disease. Therefore, it has been classified as a Variant of Uncertain Significance.

Ambry Genetics
Classification: Uncertain significance for Inborn genetic diseases. Last evaluated: 2023-05-22. Review status: criteria provided, single submitter. Criteria: Ambry Variant Classification Scheme 2023. Collection method: clinical testing. Allele origin: germline.

Illumina Laboratory Services, Illumina
Classification: Uncertain significance for Microcephaly 1, primary, autosomal recessive. Last evaluated: 2018-01-13. Review status: criteria provided, single submitter. Criteria: ICSL Variant Classification Criteria 13 December 2019. Collection method: clinical testing. Allele origin: germline.

NM_024596.5(MCPH1):c.1291C>T (p.Pro431Ser)

Gene: MCPH1 (microcephalin 1; plus strand). Cytogenetic location: 8p23.1.
Variant type: single nucleotide variant.
Coding change: c.1291C>T on transcript NM_024596.5 (MANE Select); coding-DNA position 1291, C replaced by T.
Protein change: p.Pro431Ser; replaces proline 431 with serine.
Molecular consequence: missense variant. On other transcripts: non-coding transcript variant (1).
Genome position (GRCh38, 1-based): chr8:6,445,013, C>T. VCF-style: chr8-6445013-C-T. GRCh37 (hg19) VCF-style: chr8-6302534-C-T.
Other names: c.1291C>T, p.Pro431Ser (NM_001172574.2, NM_001322042.2, NM_001363979.1 and 1 more transcripts); c.1147C>T, p.Pro383Ser (NM_001172575.2); c.1285C>T, p.Pro429Ser (NM_001322043.2); c.1189C>T, p.Pro397Ser (NM_001322045.2); short protein forms P431S, P429S, P383S, P397S.
Identifiers: ClinVar variation 363524 (VCV000363524.10), dbSNP rs376658910, ClinGen allele CA4610513.